The following is an entry in ClinVar:

ClinVar aggregate classification (germline): Likely pathogenic (1 of 4 stars; one submission).

Submission:

Labcorp Genetics (formerly Invitae), Labcorp
Classification: Likely pathogenic. Last evaluated: 2022-10-18. Review status: criteria provided, single submitter. Criteria: Invitae Variant Classification Sherloc (09022015). Collection method: clinical testing. Allele origin: unknown.
Comment: In summary, the currently available evidence indicates that the variant is pathogenic, but additional data are needed to prove that conclusively. Therefore, this variant has been classified as Likely Pathogenic. This variant has not been reported in the literature in individuals affected with FH-related conditions. This variant results in a copy number gain of the genomic region encompassing exon(s) 5-7 of the FH gene. While the exact position of this variant cannot be determined from the data, sub-genic copy number gains are generally in tandem (PMID: 25640679). This variant is predicted to be out-of-frame, and may result in an absent or disrupted protein product. Loss-of-function variants in FH are known to be pathogenic (PMID: 11865300, 21398687).

Literature cited by the submitters: PubMed 25640679; PubMed 11865300; PubMed 21398687.

NC_000001.10:g.(?_241667332)_(241672095_?)dup

Gene: FH (fumarate hydratase; minus strand). Cytogenetic location: 1q43.
Variant type: Duplication.
Identifiers: ClinVar variation 3247875 (VCV003247875.1).